The following is an entry in ClinVar:

NM_002972.4(SBF1):c.4874C>T (p.Thr1625Met)

Gene: SBF1 (SET binding factor 1; minus strand). Cytogenetic location: 22q13.33.
Variant type: single nucleotide variant.
Coding change: c.4874C>T on transcript NM_002972.4 (MANE Select); coding-DNA position 4874, C replaced by T.
Protein change: p.Thr1625Met; replaces threonine 1625 with methionine.
Molecular consequence: missense variant.
Genome position (GRCh38, 1-based): chr22:50,454,681, G>A on the plus strand (C>T on the coding strand, the complement: SBF1 is on the minus strand). VCF-style: chr22-50454681-G-A. GRCh37 (hg19) VCF-style: chr22-50893110-G-A.
Other names: p.Thr1625Met; c.4799C>T, p.Thr1600Met (NM_001365819.1); short protein forms T1625M, T1600M.
Identifiers: ClinVar variation 1374192 (VCV001374192.6), dbSNP rs756843805, ClinGen allele CA10316087.

ClinVar aggregate classification (germline): Uncertain significance. Review status: criteria provided, multiple submitters, no conflicts (2 of 4 stars). 2 submissions from 2 submitters: Uncertain significance (2). Last evaluated 2025-04-08.

Allele frequency attached by ClinVar (database versions not stated): 1000 Genomes Project 30x 0.00016.
gnomAD v4.1: 89 of 1,573,950 alleles (0.0057%); highest among the groups gnomAD compares: Admixed American, 0.024%; 1 homozygote.

Submissions (2):

Mayo Clinic Laboratories, Mayo Clinic
Classification: Uncertain significance. Last evaluated: 2025-04-08. Review status: criteria provided, single submitter. Criteria: ACMG Guidelines, 2015. Collection method: clinical testing. Allele origin: germline. Observed: 1 variant allele.

Labcorp Genetics (formerly Invitae), Labcorp
Classification: Uncertain significance. Last evaluated: 2022-09-26. Review status: criteria provided, single submitter. Criteria: Invitae Variant Classification Sherloc (09022015). Collection method: clinical testing. Allele origin: germline.
Comment: This sequence change replaces threonine, which is neutral and polar, with methionine, which is neutral and non-polar, at codon 1625 of the SBF1 protein (p.Thr1625Met). This variant is present in population databases (rs756843805, gnomAD 0.02%). This variant has not been reported in the literature in individuals affected with SBF1-related conditions. ClinVar contains an entry for this variant (Variation ID: 1374192). Advanced modeling of protein sequence and biophysical properties (such as structural, functional, and spatial information, amino acid conservation, physicochemical variation, residue mobility, and thermodynamic stability) performed at Invitae indicates that this missense variant is not expected to disrupt SBF1 protein function. In summary, the available evidence is currently insufficient to determine the role of this variant in disease. Therefore, it has been classified as a Variant of Uncertain Significance.